The following is an entry in ClinVar:

NM_018297.4(NGLY1):c.1790A>G (p.Asp597Gly)

Gene: NGLY1 (N-glycanase 1; minus strand). Cytogenetic location: 3p24.2.
Variant type: single nucleotide variant.
Coding change: c.1790A>G on transcript NM_018297.4 (MANE Select); coding-DNA position 1790, A replaced by G.
Protein change: p.Asp597Gly; replaces aspartic acid 597 with glycine.
Molecular consequence: missense variant.
Genome position (GRCh38, 1-based): chr3:25,719,635, T>C on the plus strand (A>G on the coding strand, the complement: NGLY1 is on the minus strand). VCF-style: chr3-25719635-T-C. GRCh37 (hg19) VCF-style: chr3-25761126-T-C.
Other names: c.1736A>G, p.Asp579Gly (NM_001145293.2); c.1664A>G, p.Asp555Gly (NM_001145294.2); c.1612A>G, p.Ile538Val (NM_001145295.2); short protein forms D597G, D555G, I538V, D579G.
Identifiers: ClinVar variation 944356 (VCV000944356.1), dbSNP rs1353013215, ClinGen allele CA351893723.

ClinVar aggregate classification (germline): Uncertain significance (1 of 4 stars; one submission).

Conditions:
Congenital disorder of deglycosylation (CDDG). Identifiers: MedGen C3808991, MONDO:0031376.

gnomAD v4.1: 3 of 1,608,998 alleles (0.00019%); highest among the groups gnomAD compares: Middle Eastern, 0.017%; no homozygotes.

Submission:

Labcorp Genetics (formerly Invitae), Labcorp
Classification: Uncertain significance for Congenital disorder of deglycosylation. Last evaluated: 2019-07-25. Review status: criteria provided, single submitter. Criteria: Invitae Variant Classification Sherloc (09022015). Collection method: clinical testing. Allele origin: germline.
Comment: This sequence change replaces aspartic acid with glycine at codon 597 of the NGLY1 protein (p.Asp597Gly). The aspartic acid residue is highly conserved and there is a moderate physicochemical difference between aspartic acid and glycine. This variant is not present in population databases (ExAC no frequency). This variant has not been reported in the literature in individuals with NGLY1-related conditions. Algorithms developed to predict the effect of missense changes on protein structure and function are either unavailable or do not agree on the potential impact of this missense change (SIFT: "Deleterious"; PolyPhen-2: "Benign"; Align-GVGD: "Class C0"). Algorithms developed to predict the effect of sequence changes on RNA splicing suggest that this variant may create or strengthen a splice site, but this prediction has not been confirmed by published transcriptional studies. In summary, the available evidence is currently insufficient to determine the role of this variant in disease. Therefore, it has been classified as a Variant of Uncertain Significance.